The following is an entry in ClinVar:

NM_032043.3(BRIP1):c.3441T>G (p.Asn1147Lys)

Gene: BRIP1 (BRCA1 interacting DNA helicase 1; minus strand). Cytogenetic location: 17q23.2.
Variant type: single nucleotide variant.
Coding change: c.3441T>G on transcript NM_032043.3 (MANE Select); coding-DNA position 3441, T replaced by G.
Protein change: p.Asn1147Lys; replaces asparagine 1147 with lysine.
Molecular consequence: missense variant.
Genome position (GRCh38, 1-based): chr17:61,683,605, A>C on the plus strand (T>G on the coding strand, the complement: BRIP1 is on the minus strand). VCF-style: chr17-61683605-A-C. GRCh37 (hg19) VCF-style: chr17-59760966-A-C.
Other names: short protein forms N1147K.
Identifiers: ClinVar variation 823775 (VCV000823775.11), dbSNP rs1603275034, ClinGen allele CA400478717.
Genomic context (GRCh38, chr17:61,683,605, plus strand): 5'-AGCTAAAATGCAATCTGAATTGTTAGCCAATCTATTTCCTCTATCAGTTTCAGCTAGGTC[A>C]TTTTTTTCTTCATCTGTATCTTCAGGATCATAAAGTTCAGGTGTAAAATAGATAGATTCA-3'
Protein context (NP_114432.2, residues 1137-1157): YDPEDTDEEK[Asn1147Lys]DLAETDRGNR

ClinVar aggregate classification (germline): Uncertain significance. Review status: criteria provided, multiple submitters, no conflicts (2 of 4 stars). 4 submissions from 4 submitters: Uncertain significance (4). Last evaluated 2025-03-28.

Conditions:
Hereditary cancer-predisposing syndrome. Also called: Neoplastic Syndromes, Hereditary; Hereditary Cancer Syndrome; Hereditary neoplastic syndrome; Tumor predisposition. Identifiers: Orphanet 140162, MedGen C0027672, MeSH D009386, MONDO:0015356.
Fanconi anemia complementation group J. Also called: BRIP1-Related Fanconi Anemia. Identifiers: Orphanet 84, MedGen C1836860, MONDO:0012187, OMIM 609054.
Familial cancer of breast. Also called: hereditary breast carcinoma; BREAST CANCER, FAMILIAL; Hereditary breast cancer. Identifiers: Orphanet 227535, MedGen C0346153, MONDO:0016419, OMIM 114480. Disease mechanism: loss of function.

Allele frequency attached by ClinVar (database versions not stated): gnomAD 0.00001.
gnomAD v4.1: 1 of 1,611,820 alleles (0.000062%); highest among the groups gnomAD compares: African/African-American, 0.0013%; no homozygotes.

Submissions (4):

Ambry Genetics
Classification: Uncertain significance for Hereditary cancer-predisposing syndrome. Last evaluated: 2025-03-28. Review status: criteria provided, single submitter. Criteria: Ambry Variant Classification Scheme 2023. Collection method: clinical testing. Allele origin: germline.
Comment: The p.N1147K variant (also known as c.3441T>G), located in coding exon 19 of the BRIP1 gene, results from a T to G substitution at nucleotide position 3441. The asparagine at codon 1147 is replaced by lysine, an amino acid with similar properties. This amino acid position is poorly conserved in available vertebrate species. In addition, this alteration is predicted to be tolerated by in silico analysis. Since supporting evidence is limited at this time, the clinical significance of this alteration remains unclear.

Women's Health and Genetics/Laboratory Corporation of America, LabCorp
Classification: Uncertain significance. Last evaluated: 2024-09-30. Review status: criteria provided, single submitter. Criteria: LabCorp Variant Classification Summary - May 2015. Collection method: clinical testing. Allele origin: germline.

Labcorp Genetics (formerly Invitae), Labcorp
Classification: Uncertain significance for Familial cancer of breast; Fanconi anemia complementation group J. Last evaluated: 2024-03-26. Review status: criteria provided, single submitter. Criteria: Invitae Variant Classification Sherloc (09022015). Collection method: clinical testing. Allele origin: germline.
Comment: This sequence change replaces asparagine, which is neutral and polar, with lysine, which is basic and polar, at codon 1147 of the BRIP1 protein (p.Asn1147Lys). This variant is not present in population databases (gnomAD no frequency). This variant has not been reported in the literature in individuals affected with BRIP1-related conditions. ClinVar contains an entry for this variant (Variation ID: 823775). An algorithm developed to predict the effect of missense changes on protein structure and function (PolyPhen-2) suggests that this variant is likely to be tolerated. In summary, the available evidence is currently insufficient to determine the role of this variant in disease. Therefore, it has been classified as a Variant of Uncertain Significance.

Color Diagnostics, LLC DBA Color Health
Classification: Uncertain significance for Hereditary cancer-predisposing syndrome. Last evaluated: 2024-03-06. Review status: criteria provided, single submitter. Criteria: ACMG Guidelines, 2015. Collection method: clinical testing. Allele origin: germline.
Comment: This missense variant replaces asparagine with lysine at codon 1147 of the BRIP1 protein. Computational prediction suggests that this variant may not impact protein structure and function (internally defined REVEL score threshold <= 0.5, PMID: 27666373). To our knowledge, functional studies have not been reported for this variant. This variant has not been reported in individuals affected with hereditary cancer in the literature. This variant has not been identified in the general population by the Genome Aggregation Database (gnomAD). The available evidence is insufficient to determine the role of this variant in disease conclusively. Therefore, this variant is classified as a Variant of Uncertain Significance.